The following is an entry in ClinVar:

ClinVar aggregate classification (germline): Benign. Review status: criteria provided, multiple submitters, no conflicts (2 of 4 stars). 3 submissions from 3 submitters: Benign (3). Last evaluated 2026-09-01.

Allele frequency attached by ClinVar (database versions not stated): ESP Exome Variant Server 0.00100; gnomAD exomes 0.00118 and 0.00415; gnomAD 0.00159 and 0.00169; TOPMed 0.00206; 1000 Genomes Project 0.00220; 1000 Genomes Project 30x 0.00265; ExAC 0.00369.
gnomAD v4.1: 2,012 of 1,614,206 alleles (0.12%); highest among the groups gnomAD compares: Admixed American, 1.5%; 24 homozygotes.

Submissions (3):

CeGaT Center for Human Genetics Tuebingen
Classification: Benign. Last evaluated: 2026-09-01. Review status: criteria provided, single submitter. Criteria: CeGaT Center For Human Genetics Tuebingen Variant Classification Criteria Version 2. Collection method: clinical testing. Allele origin: germline. Affected: yes. Observed: 4 variant alleles.
Comment: DUOXA2: BP4, BP7, BS1, BS2

Labcorp Genetics (formerly Invitae), Labcorp
Classification: Benign. Last evaluated: 2025-10-22. Review status: criteria provided, single submitter. Criteria: Invitae Variant Classification Sherloc (09022015). Collection method: clinical testing. Allele origin: germline.

Breakthrough Genomics
Classification: Benign. Review status: criteria provided, single submitter. Criteria: ACMG Guidelines, 2015. Collection method: not provided. Allele origin: germline. Inheritance: Autosomal recessive inheritance. Affected: yes.

NM_207581.4(DUOXA2):c.51C>T (p.Ala17=)

Gene: DUOXA2 (dual oxidase maturation factor 2; plus strand). Cytogenetic location: 15q21.1.
Variant type: single nucleotide variant.
Coding change: c.51C>T on transcript NM_207581.4 (MANE Select); coding-DNA position 51, C replaced by T.
Protein change: p.Ala17=; no amino-acid change (alanine 17 retained).
Molecular consequence: synonymous variant.
Genome position (GRCh38, 1-based): chr15:45,114,656, C>T. VCF-style: chr15-45114656-C-T. GRCh37 (hg19) VCF-style: chr15-45406854-C-T.
Identifiers: ClinVar variation 790694 (VCV000790694.12), dbSNP rs4775766, ClinGen allele CA7539192.